The following is an entry in ClinVar:

NM_001291415.2(KDM6A):c.2234G>T (p.Gly745Val)

Gene: KDM6A (lysine demethylase 6A; plus strand). Cytogenetic location: Xp11.3.
Variant type: single nucleotide variant.
Coding change: c.2234G>T on transcript NM_001291415.2 (MANE Select); coding-DNA position 2234, G replaced by T.
Protein change: p.Gly745Val; replaces glycine 745 with valine.
Molecular consequence: missense variant. On other transcripts: non-coding transcript variant (1).
Genome position (GRCh38, 1-based): chrX:45,069,733, G>T. VCF-style: chrX-45069733-G-T. GRCh37 (hg19) VCF-style: chrX-44928978-G-T.
Other names: c.2099G>T, p.Gly700Val (NM_001291416.2, NM_001419811.1); c.1943G>T, p.Gly648Val (NM_001291417.2); c.1841G>T, p.Gly614Val (NM_001291418.2, NM_001419815.1); c.1190G>T, p.Gly397Val (NM_001291421.2); c.1976G>T, p.Gly659Val (NM_001410742.1, NM_001419814.1); c.2234G>T, p.Gly745Val (NM_001419809.1); c.2132G>T, p.Gly711Val (NM_001419810.1, NM_001419813.1); c.2078G>T, p.Gly693Val (NM_001419812.1, NM_021140.4); short protein forms G397V, G614V, G648V, G659V, G693V, G700V, G711V, G745V.
Identifiers: ClinVar variation 2573858 (VCV002573858.1), dbSNP rs2148038437, ClinGen allele CA412792828.

ClinVar aggregate classification (germline): Uncertain significance (1 of 4 stars; one submission).

Submission:

GeneDx
Classification: Uncertain significance. Last evaluated: 2023-01-22. Review status: criteria provided, single submitter. Criteria: GeneDx Variant Classification Process June 2021. Collection method: clinical testing. Allele origin: germline. Affected: yes.
Comment: Not observed at significant frequency in large population cohorts (gnomAD); In silico analysis supports that this missense variant has a deleterious effect on protein structure/function; Has not been previously published as pathogenic or benign to our knowledge